The following is an entry in ClinVar:

ClinVar aggregate classification (germline): Likely benign (1 of 4 stars; one submission).

gnomAD v4.1: 8 of 1,184,945 alleles (0.00068%); highest among the groups gnomAD compares: Non-Finnish European, 0.00079%; no homozygotes.

Submission:

Mayo Clinic Laboratories, Mayo Clinic
Classification: Likely benign. Last evaluated: 2024-11-26. Review status: criteria provided, single submitter. Criteria: ACMG Guidelines, 2015. Collection method: clinical testing. Allele origin: germline. Observed: 1 variant allele.
Comment: BS2, BP7

NM_002049.4(GATA1):c.*2G>C

Gene: GATA1 (GATA binding protein 1; plus strand). Cytogenetic location: Xp11.23.
Variant type: single nucleotide variant.
Coding change: c.*2G>C on transcript NM_002049.4 (MANE Select); 2 bases downstream of the stop codon, G replaced by C.
Molecular consequence: 3 prime UTR variant.
Genome position (GRCh38, 1-based): chrX:48,794,166, G>C. VCF-style: chrX-48794166-G-C. GRCh37 (hg19) VCF-style: chrX-48652573-G-C.
Other names: p.?.
Identifiers: ClinVar variation 4684518 (VCV004684518.1).